The following is an entry in ClinVar:

NM_004924.6(ACTN4):c.1443-10C>T

Gene: ACTN4 (actinin alpha 4; plus strand). Cytogenetic location: 19q13.2.
Variant type: single nucleotide variant.
Coding change: c.1443-10C>T on transcript NM_004924.6 (MANE Select); 10 bases into the intron before coding-DNA position 1443, C replaced by T.
Molecular consequence: intron variant.
Genome position (GRCh38, 1-based): chr19:38,723,604, C>T. VCF-style: chr19-38723604-C-T. GRCh37 (hg19) VCF-style: chr19-39214244-C-T.
Other names: c.1443-10C>T (NM_004924.5, NM_001411143.1, NM_001322033.2).
Identifiers: ClinVar variation 2713893 (VCV002713893.5), dbSNP rs766781153, ClinGen allele CA9417673.

ClinVar aggregate classification (germline): Likely benign. Review status: criteria provided, single submitter (1 of 4 stars). 2 submissions from 2 submitters: Likely benign (1). 1 of the submissions does not count toward it. Last evaluated 2025-06-12.

Conditions:
ACTN4-related disorder. Also called: ACTN4-related condition.

Allele frequency attached by ClinVar (database versions not stated): gnomAD exomes 0.00006; TOPMed 0.00006; gnomAD 0.00008; ExAC 0.00014.
gnomAD v4.1: 104 of 1,597,914 alleles (0.0065%); highest among the groups gnomAD compares: Middle Eastern, 0.033%; no homozygotes.

Submissions (2):

Labcorp Genetics (formerly Invitae), Labcorp
Classification: Likely benign. Last evaluated: 2025-06-12. Review status: criteria provided, single submitter. Criteria: Invitae Variant Classification Sherloc (09022015). Collection method: clinical testing. Allele origin: germline.

PreventionGenetics, part of Exact Sciences
Classification: Likely benign for ACTN4-related condition. Last evaluated: 2021-01-04. Review status: no assertion criteria provided. Collection method: clinical testing. Allele origin: germline. Not counted in ClinVar's aggregate classification.
Comment: This variant is classified as likely benign based on ACMG/AMP sequence variant interpretation guidelines (Richards et al. 2015 PMID: 25741868, with internal and published modifications).